The following is an entry in ClinVar:

NM_000046.5(ARSB):c.755T>G (p.Leu252Trp)

Gene: ARSB (arylsulfatase B; minus strand). Cytogenetic location: 5q14.1.
Variant type: single nucleotide variant.
Coding change: c.755T>G on transcript NM_000046.5 (MANE Select); coding-DNA position 755, T replaced by G.
Protein change: p.Leu252Trp; replaces leucine 252 with tryptophan.
Molecular consequence: missense variant.
Genome position (GRCh38, 1-based): chr5:78,955,438, A>C on the plus strand (T>G on the coding strand, the complement: ARSB is on the minus strand). VCF-style: chr5-78955438-A-C. GRCh37 (hg19) VCF-style: chr5-78251261-A-C.
Other names: c.755T>G, p.Leu252Trp (NM_198709.3); short protein forms L252W.
Identifiers: ClinVar variation 2140728 (VCV002140728.1), dbSNP rs758986638, ClinGen allele CA3318183.
Genomic context (GRCh38, chr5:78,955,438, plus strand): 5'-AGGGACACCATTCCTGCATAGTGATGCCTGTTCTTGTCTTGGATAAAGTCATATGGCTTC[A>C]AGTATTCCTCAGGGACCTGAAGGGGCTCATGCACAGACTGGAGAGCAAGGTAGAGAAACA-3'
Protein context (NP_000037.2, residues 242-262): HEPLQVPEEY[Leu252Trp]KPYDFIQDKN

ClinVar aggregate classification (germline): Uncertain significance (1 of 4 stars; one submission).

Conditions:
Mucopolysaccharidosis type 6 (MPS6). Also called: ARSB DEFICIENCY; ARYLSULFATASE B DEFICIENCY; N-ACETYLGALACTOSAMINE-4-SULFATASE DEFICIENCY; MPS 6; Maroteaux Lamy syndrome; MPS VI. Identifiers: Orphanet 583, MedGen C0026709, MONDO:0009661, OMIM 253200.

Allele frequency attached by ClinVar (database versions not stated): ExAC 0.00001; gnomAD exomes 0.00001; TOPMed 0.00002.
gnomAD v4.1: 13 of 1,614,114 alleles (0.00081%); highest among the groups gnomAD compares: Non-Finnish European, 0.0011%; no homozygotes.

Submission:

Labcorp Genetics (formerly Invitae), Labcorp
Classification: Uncertain significance for Mucopolysaccharidosis type 6. Last evaluated: 2022-07-19. Review status: criteria provided, single submitter. Criteria: Invitae Variant Classification Sherloc (09022015). Collection method: clinical testing. Allele origin: germline.
Comment: This sequence change replaces leucine, which is neutral and non-polar, with tryptophan, which is neutral and slightly polar, at codon 252 of the ARSB protein (p.Leu252Trp). This variant is present in population databases (rs758986638, gnomAD 0.002%). This variant has not been reported in the literature in individuals affected with ARSB-related conditions. Advanced modeling of protein sequence and biophysical properties (such as structural, functional, and spatial information, amino acid conservation, physicochemical variation, residue mobility, and thermodynamic stability) performed at Invitae indicates that this missense variant is not expected to disrupt ARSB protein function. In summary, the available evidence is currently insufficient to determine the role of this variant in disease. Therefore, it has been classified as a Variant of Uncertain Significance.